The following is an entry in ClinVar:

NM_002474.3(MYH11):c.3412G>A (p.Glu1138Lys)

Gene: MYH11 (myosin heavy chain 11; minus strand). Cytogenetic location: 16p13.11.
Variant type: single nucleotide variant.
Coding change: c.3412G>A on transcript NM_002474.3 (MANE Select); coding-DNA position 3412, G replaced by A.
Protein change: p.Glu1138Lys; replaces glutamic acid 1138 with lysine.
Molecular consequence: missense variant.
Genome position (GRCh38, 1-based): chr16:15,735,460, C>T on the plus strand (G>A on the coding strand, the complement: MYH11 is on the minus strand). VCF-style: chr16-15735460-C-T. GRCh37 (hg19) VCF-style: chr16-15829317-C-T.
Other names: c.3412G>A, p.Glu1138Lys (NM_022844.3); c.3433G>A, p.Glu1145Lys (NM_001040113.2, NM_001040114.2); c.3412G>A (NM_002474.2); short protein forms E1138K, E1145K.
Identifiers: ClinVar variation 3073973 (VCV003073973.2), dbSNP rs2506177107, ClinGen allele CA394861932.

ClinVar aggregate classification (germline): Uncertain significance. Review status: criteria provided, multiple submitters, no conflicts (2 of 4 stars). 2 submissions from 2 submitters: Uncertain significance (2). Last evaluated 2024-07-24.

Conditions:
Familial thoracic aortic aneurysm and aortic dissection (TAAD). Also called: Thoracic aortic aneurysms and dissections. Identifiers: Orphanet 91387, MedGen C4707243, MONDO:0019625.

Submissions (2):

Ambry Genetics
Classification: Uncertain significance for Familial thoracic aortic aneurysm and aortic dissection. Last evaluated: 2024-07-24. Review status: criteria provided, single submitter. Criteria: Ambry Variant Classification Scheme 2023. Collection method: clinical testing. Allele origin: germline.
Comment: The p.E1138K variant (also known as c.3412G>A), located in coding exon 25 of the MYH11 gene, results from a G to A substitution at nucleotide position 3412. The glutamic acid at codon 1138 is replaced by lysine, an amino acid with similar properties. This amino acid position is conserved. In addition, this alteration is predicted to be deleterious by in silico analysis. Based on the available evidence, the clinical significance of this variant remains unclear.

All of Us Research Program, National Institutes of Health
Classification: Uncertain significance for Familial thoracic aortic aneurysm and aortic dissection. Last evaluated: 2023-11-30. Review status: criteria provided, single submitter. Criteria: ACMG Guidelines, 2015. Collection method: clinical testing. Allele origin: germline. Inheritance: Autosomal dominant inheritance. Observed: 1 variant allele, 1 heterozygote.
Comment: This study involves interpretation of variants in research participants for the purpose of population health screening. Participant phenotype was not available at the time of variant classification. Additional details can be found in publication PMID: 35346344, PMCID: PMC8962531